The following is an entry in ClinVar:

NM_002519.3(NPAT):c.406G>C (p.Glu136Gln)

Gene: NPAT (nuclear protein, coactivator of histone transcription; minus strand). Cytogenetic location: 11q22.3.
Variant type: single nucleotide variant.
Coding change: c.406G>C on transcript NM_002519.3 (MANE Select); coding-DNA position 406, G replaced by C.
Protein change: p.Glu136Gln; replaces glutamic acid 136 with glutamine.
Molecular consequence: missense variant.
Genome position (GRCh38, 1-based): chr11:108,189,256, C>G on the plus strand (G>C on the coding strand, the complement: NPAT is on the minus strand). VCF-style: chr11-108189256-C-G. GRCh37 (hg19) VCF-style: chr11-108059983-C-G.
Other names: c.406G>C, p.Glu136Gln (NM_001321307.1); short protein forms E136Q.
Identifiers: ClinVar variation 3407227 (VCV003407227.1).

ClinVar aggregate classification (germline): Uncertain significance (1 of 4 stars; one submission).

Submission:

Ambry Genetics
Classification: Uncertain significance. Last evaluated: 2024-09-24. Review status: criteria provided, single submitter. Criteria: Ambry Variant Classification Scheme 2023. Collection method: clinical testing. Allele origin: germline.
Comment: The p.E136Q variant (also known as c.406G>C), located in coding exon 6 of the NPAT gene, results from a G to C substitution at nucleotide position 406. The glutamic acid at codon 136 is replaced by glutamine, an amino acid with highly similar properties. This amino acid position is conserved. In addition, this alteration is predicted to be tolerated by in silico analysis. Based on the available evidence, the clinical significance of this variant remains unclear.